The following is an entry in ClinVar:

NM_017780.4(CHD7):c.2698C>T (p.Pro900Ser)

Gene: CHD7 (chromodomain helicase DNA binding protein 7; plus strand). Cytogenetic location: 8q12.2.
Variant type: single nucleotide variant.
Coding change: c.2698C>T on transcript NM_017780.4 (MANE Select); coding-DNA position 2698, C replaced by T.
Protein change: p.Pro900Ser; replaces proline 900 with serine.
Molecular consequence: missense variant. On other transcripts: intron variant (1).
Genome position (GRCh38, 1-based): chr8:60,821,790, C>T. VCF-style: chr8-60821790-C-T. GRCh37 (hg19) VCF-style: chr8-61734349-C-T.
Other names: c.1717-40439C>T (NM_001316690.1); c.2698C>T (NM_017780.2); short protein forms P900S.
Identifiers: ClinVar variation 953217 (VCV000953217.11), dbSNP rs1224277360, ClinGen allele CA371307490.

ClinVar aggregate classification (germline): Conflicting classifications of pathogenicity. Review status: criteria provided, conflicting classifications (1 of 4 stars). 4 submissions from 4 submitters: Uncertain significance (3); Likely benign (1). Last evaluated 2025-07-29.

Conditions:
Inborn genetic diseases. Identifiers: MedGen C0950123, MeSH D030342.
CHARGE syndrome (CHARGE). Also called: Hittner Hirsch Kreh syndrome; Coloboma, heart anomaly, choanal atresia, retardation, genital and ear anomalies; CHARGE association; Hall-Hittner syndrome; CHARGE ASSOCIATION--COLOBOMA, HEART ANOMALY, CHOANAL ATRESIA, RETARDATION, GENITAL AND EAR ANOMALIES. Identifiers: Orphanet 138, MedGen C0265354, MONDO:0008965.

Allele frequency attached by ClinVar (database versions not stated): gnomAD 0.00001; gnomAD exomes 0.00001.
gnomAD v4.1: 12 of 1,555,382 alleles (0.00077%); highest among the groups gnomAD compares: Middle Eastern, 0.066%; no homozygotes.

Submissions (4):

Labcorp Genetics (formerly Invitae), Labcorp
Classification: Uncertain significance for CHARGE syndrome. Last evaluated: 2025-07-29. Review status: criteria provided, single submitter. Criteria: Invitae Variant Classification Sherloc (09022015). Collection method: clinical testing. Allele origin: germline.
Comment: This sequence change replaces proline, which is neutral and non-polar, with serine, which is neutral and polar, at codon 900 of the CHD7 protein (p.Pro900Ser). This variant is present in population databases (no rsID available, gnomAD 0.003%). This variant has not been reported in the literature in individuals affected with CHD7-related conditions. ClinVar contains an entry for this variant (Variation ID: 953217). An algorithm developed to predict the effect of missense changes on protein structure and function (PolyPhen-2) suggests that this variant is likely to be tolerated. In summary, the available evidence is currently insufficient to determine the role of this variant in disease. Therefore, it has been classified as a Variant of Uncertain Significance.

GeneDx
Classification: Uncertain significance. Last evaluated: 2024-12-11. Review status: criteria provided, single submitter. Criteria: GeneDx Variant Classification Process June 2021. Collection method: clinical testing. Allele origin: germline. Affected: yes.
Comment: In silico analysis supports that this missense variant has a deleterious effect on protein structure/function; Has not been previously published as pathogenic or benign to our knowledge

Blueprint Genetics
Classification: Likely benign. Last evaluated: 2024-03-13. Review status: criteria provided, single submitter. Criteria: ACMG Guidelines, 2015. Collection method: clinical testing. Allele origin: germline.

Ambry Genetics
Classification: Uncertain significance for Inborn genetic diseases. Last evaluated: 2024-01-24. Review status: criteria provided, single submitter. Criteria: Ambry Variant Classification Scheme 2023. Collection method: clinical testing. Allele origin: germline.